The following is an entry in ClinVar:

NM_018051.5(DYNC2I1):c.1358-3C>G

Gene: DYNC2I1 (dynein 2 intermediate chain 1; plus strand). Cytogenetic location: 7q36.3.
Variant type: single nucleotide variant.
Coding change: c.1358-3C>G on transcript NM_018051.5 (MANE Select); 3 bases into the intron before coding-DNA position 1358, C replaced by G.
Molecular consequence: intron variant.
Genome position (GRCh38, 1-based): chr7:158,905,986, C>G. VCF-style: chr7-158905986-C-G. GRCh37 (hg19) VCF-style: chr7-158698677-C-G.
Other names: c.1220-3C>G (NM_001350914.2); c.110-3C>G (NM_001350918.2, NM_001350917.2); c.-2+3391C>G (NM_001350916.2); c.785-3C>G (NM_001350915.2).
Identifiers: ClinVar variation 3613703 (VCV003613703.2).

ClinVar aggregate classification (germline): Uncertain significance (1 of 4 stars; one submission).

Conditions:
Short-rib thoracic dysplasia 8 with or without polydactyly (SRTD8). Also called: SHORT-RIB THORACIC DYSPLASIA 8 WITH POLYDACTYLY. Identifiers: Orphanet 93271, MedGen C3809691, MONDO:0014214, OMIM 615503.

gnomAD v4.1: 19 of 1,611,962 alleles (0.0012%); highest among the groups gnomAD compares: Non-Finnish European, 0.0016%; no homozygotes.

Submission:

Labcorp Genetics (formerly Invitae), Labcorp
Classification: Uncertain significance for Short-rib thoracic dysplasia 8 with or without polydactyly. Last evaluated: 2025-06-09. Review status: criteria provided, single submitter. Criteria: Invitae Variant Classification Sherloc (09022015). Collection method: clinical testing. Allele origin: germline.
Comment: This sequence change falls in intron 10 of the WDR60 gene. It does not directly change the encoded amino acid sequence of the WDR60 protein. It affects a nucleotide within the consensus splice site. This variant is not present in population databases (gnomAD no frequency). This variant has not been reported in the literature in individuals affected with WDR60-related conditions. ClinVar contains an entry for this variant (Variation ID: 3613703). Variants that disrupt the consensus splice site are a relatively common cause of aberrant splicing (PMID: 17576681, 9536098). Algorithms developed to predict the effect of sequence changes on RNA splicing suggest that this variant may disrupt the consensus splice site. In summary, the available evidence is currently insufficient to determine the role of this variant in disease. Therefore, it has been classified as a Variant of Uncertain Significance.

Literature cited by the submitters: PubMed 17576681; PubMed 9536098.